The following is an entry in ClinVar:

NM_001429.4(EP300):c.3625C>G (p.Gln1209Glu)

Gene: EP300 (EP300 lysine acetyltransferase; plus strand). Cytogenetic location: 22q13.2.
Variant type: single nucleotide variant.
Coding change: c.3625C>G on transcript NM_001429.4 (MANE Select); coding-DNA position 3625, C replaced by G.
Protein change: p.Gln1209Glu; replaces glutamine 1209 with glutamic acid.
Molecular consequence: missense variant.
Genome position (GRCh38, 1-based): chr22:41,160,676, C>G. VCF-style: chr22-41160676-C-G. GRCh37 (hg19) VCF-style: chr22-41556680-C-G.
Other names: c.3547C>G, p.Gln1183Glu (NM_001362843.2); c.3625C>G (NM_001429.3); short protein forms Q1183E, Q1209E.
Identifiers: ClinVar variation 2089905 (VCV002089905.5), dbSNP rs2517810995, ClinGen allele CA411696403.
Genomic context (GRCh38, chr22:41,160,676, plus strand): 5'-CCCCAGTATGGCCTTCTTGCCGACAGGTATCATTTCTGTGAGAAGTGTTTCAATGAGATC[C>G]AAGGGGAGAGCGTTTCTTTGGGGGATGACCCTTCCCAGCCTCAAACGTAAGTAACTGCAT-3'
Protein context (NP_001420.2, residues 1199-1219): HFCEKCFNEI[Gln1209Glu]GESVSLGDDP

ClinVar aggregate classification (germline): Uncertain significance. Review status: criteria provided, multiple submitters, no conflicts (2 of 4 stars). 2 submissions from 2 submitters: Uncertain significance (2). Last evaluated 2025-04-11.

Conditions:
EP300-related disorder. Also called: EP300-related condition; EP300-related disorders.
Rubinstein-Taybi syndrome due to EP300 haploinsufficiency. Also called: EP300-Related Rubinstein-Taybi Syndrome; RUBINSTEIN-TAYBI SYNDROME 2. Identifiers: Orphanet 353284, Orphanet 783, MedGen C3150941, MONDO:0013364, OMIM 613684.

Allele frequency attached by ClinVar (database versions not stated): gnomAD exomes below 0.00001.

Submissions (2):

PreventionGenetics, part of Exact Sciences
Classification: Uncertain significance for EP300-related condition. Last evaluated: 2025-04-11. Review status: criteria provided, single submitter. Criteria: ACMG Guidelines, 2015. Collection method: clinical testing. Allele origin: germline.
Comment: The EP300 c.3625C>G variant is predicted to result in the amino acid substitution p.Gln1209Glu. To our knowledge, this variant has not been reported in the literature or in a large population database, indicating this variant is rare. At this time, the clinical significance of this variant is uncertain due to the absence of conclusive functional and genetic evidence.

Labcorp Genetics (formerly Invitae), Labcorp
Classification: Uncertain significance for Rubinstein-Taybi syndrome due to EP300 haploinsufficiency. Last evaluated: 2022-03-29. Review status: criteria provided, single submitter. Criteria: Invitae Variant Classification Sherloc (09022015). Collection method: clinical testing. Allele origin: germline.
Comment: In summary, the available evidence is currently insufficient to determine the role of this variant in disease. Therefore, it has been classified as a Variant of Uncertain Significance. Advanced modeling of protein sequence and biophysical properties (such as structural, functional, and spatial information, amino acid conservation, physicochemical variation, residue mobility, and thermodynamic stability) performed at Invitae indicates that this missense variant is not expected to disrupt EP300 protein function. This variant has not been reported in the literature in individuals affected with EP300-related conditions. This variant is not present in population databases (gnomAD no frequency). This sequence change replaces glutamine, which is neutral and polar, with glutamic acid, which is acidic and polar, at codon 1209 of the EP300 protein (p.Gln1209Glu).